The following is an entry in ClinVar:

NM_000526.5(KRT14):c.1161_1165del (p.Cys389fs)

Gene: KRT14 (keratin 14; minus strand). Cytogenetic location: 17q21.2.
Variant type: Deletion.
Coding change: c.1161_1165del on transcript NM_000526.5 (MANE Select); coding-DNA positions 1161 to 1165, 5 bases deleted (CCGCT; older notation c.1161_1165delCCGCT).
Protein change: p.Cys389fs; shifts the reading frame from cysteine 389.
Molecular consequence: frameshift variant.
Genome position (GRCh38, 1-based): chr17:41,583,344-41,583,348, AGCGG deleted on the plus strand (CCGCT on the coding strand, the reverse complement: KRT14 is on the minus strand); deleting any 5 consecutive bases within chr17:41,583,344-41,583,351 gives the same sequence; the c. name uses the placement nearest the transcript's 3' end. VCF-style (leftmost placement, unchanged base first): chr17-41583343-CAGCGG-C. GRCh37 (hg19) VCF-style: chr17-39739595-CAGCGG-C.
Other names: c.1161_1165delCCGCT (NM_000526.4); short protein forms C389fs.
Identifiers: ClinVar variation 817171 (VCV000817171.3), dbSNP rs1597798429, ClinGen allele CA915950006.
Genomic context (GRCh38, chr17:41,583,343, plus strand): 5'-TCCAGCCGCGTCTTCACGTCCAGCAGGATCTTGTACTCCTGGTTCTGCTGCTCCATCTCG[CAGCGG>C]AGCTGGGCCAGCTGCTCCTCCACGCTGCCAATCATCTCCTGGATCTGGGCCAGCTGCATG-3'

ClinVar aggregate classification (germline): Likely pathogenic (1 of 4 stars; one submission).

Submission:

GeneDx
Classification: Likely pathogenic. Last evaluated: 2021-08-13. Review status: criteria provided, single submitter. Criteria: GeneDx Variant Classification Process June 2021. Collection method: clinical testing. Allele origin: germline. Affected: yes.
Comment: Has not been previously published as pathogenic or benign to our knowledge; Frameshift variant predicted to result in protein truncation, as the last 84 amino acids are replaced with 91 different amino acids, and other loss-of-function variants have been reported downstream in the Human Gene Mutation Database (HGMD); Not observed at significant frequency in large population cohorts (gnomAD)